The following is an entry in ClinVar:

ClinVar aggregate classification (germline): Uncertain significance (1 of 4 stars; one submission).

Conditions:
Charcot-Marie-Tooth disease axonal type 2O. Also called: CHARCOT-MARIE-TOOTH NEUROPATHY, AXONAL, TYPE 2O; CHARCOT-MARIE-TOOTH DISEASE, AXONAL, AUTOSOMAL DOMINANT, TYPE 2O; Charcot-Marie-Tooth disease, axonal, type 20; Charcot-Marie-Tooth Neuropathy Type 2O. Identifiers: Orphanet 284232, MedGen C3280220, MONDO:0013644, OMIM 614228.

Submission:

Labcorp Genetics (formerly Invitae), Labcorp
Classification: Uncertain significance for Charcot-Marie-Tooth disease axonal type 2O. Last evaluated: 2019-06-19. Review status: criteria provided, single submitter. Criteria: Invitae Variant Classification Sherloc (09022015). Collection method: clinical testing. Allele origin: germline.
Comment: This sequence change replaces tyrosine with asparagine at codon 1109 of the DYNC1H1 protein (p.Tyr1109Asn). The tyrosine residue is highly conserved and there is a large physicochemical difference between tyrosine and asparagine. This variant is not present in population databases (ExAC no frequency). This variant has not been reported in the literature in individuals with DYNC1H1-related conditions. Algorithms developed to predict the effect of missense changes on protein structure and function (SIFT, PolyPhen-2, Align-GVGD) all suggest that this variant is likely to be disruptive, but these predictions have not been confirmed by published functional studies and their clinical significance is uncertain. In summary, the available evidence is currently insufficient to determine the role of this variant in disease. Therefore, it has been classified as a Variant of Uncertain Significance.

NM_001376.5(DYNC1H1):c.3325T>A (p.Tyr1109Asn)

Gene: DYNC1H1 (dynein cytoplasmic 1 heavy chain 1; plus strand). Cytogenetic location: 14q32.31.
Variant type: single nucleotide variant.
Coding change: c.3325T>A on transcript NM_001376.5 (MANE Select); coding-DNA position 3325, T replaced by A.
Protein change: p.Tyr1109Asn; replaces tyrosine 1109 with asparagine.
Molecular consequence: missense variant.
Genome position (GRCh38, 1-based): chr14:101,994,841, T>A. VCF-style: chr14-101994841-T-A. GRCh37 (hg19) VCF-style: chr14-102461178-T-A.
Other names: short protein forms Y1109N.
Identifiers: ClinVar variation 947772 (VCV000947772.9), dbSNP rs2048039792, ClinGen allele CA391033482.